The following is an entry in ClinVar:

ClinVar aggregate classification (germline): Uncertain significance. Review status: criteria provided, multiple submitters, no conflicts (2 of 4 stars). 3 submissions from 3 submitters: Uncertain significance (3). Last evaluated 2025-06-09.

Conditions:
RYR1-related disorder. Also called: RYR1-related disorders; RYR1-related condition. Identifiers: MedGen CN239331.
Malignant hyperthermia, susceptibility to, 1 (MHS1). Also called: RYR1-Related Malignant Hyperthermia Susceptibility; Anesthesia related hyperthermia; Malignant hyperpyrexia; Fulminating hyperpyrexia; Pharmacogenic myopathy; Malignant hyperthermia suceptibility 1. Identifiers: Orphanet 423, MedGen C2930980, MONDO:0007783, OMIM 145600.

Allele frequency attached by ClinVar (database versions not stated): gnomAD exomes below 0.00001 and 0.00001; gnomAD 0.00001; TOPMed 0.00002; ExAC 0.00003.
gnomAD v4.1: 4 of 1,612,770 alleles (0.00025%); highest among the groups gnomAD compares: East Asian, 0.0089%; no homozygotes.

Submissions (3):

Color Diagnostics, LLC DBA Color Health
Classification: Uncertain significance for Malignant hyperthermia, susceptibility to, 1. Last evaluated: 2025-06-09. Review status: criteria provided, single submitter. Criteria: ACMG Guidelines, 2015. Collection method: clinical testing. Allele origin: germline.
Comment: This missense variant replaces glutamic acid with lysine at codon 1698 of the RYR1 protein. Computational prediction is inconclusive regarding the impact of this variant on protein structure and function. To our knowledge, functional studies have not been reported for this variant. This variant has not been reported in individuals affected with RYR1-related disorders in the literature. This variant has been identified in 4/278512 chromosomes in the general population by the Genome Aggregation Database (gnomAD). The available evidence is insufficient to determine the role of this variant in disease conclusively. Therefore, this variant is classified as a Variant of Uncertain Significance.

All of Us Research Program, National Institutes of Health
Classification: Uncertain significance for Malignant hyperthermia, susceptibility to, 1. Last evaluated: 2023-07-19. Review status: criteria provided, single submitter. Criteria: ACMG Guidelines, 2015. Collection method: clinical testing. Allele origin: germline. Inheritance: Autosomal dominant inheritance. Observed: 2 variant alleles, 2 heterozygotes.
Comment: This missense variant replaces glutamic acid with lysine at codon 1698 of the RYR1 protein. Computational prediction is inconclusive regarding the impact of this variant on protein structure and function (internally defined REVEL score threshold 0.5 < inconclusive < 0.7, PMID: 27666373). To our knowledge, functional studies have not been reported for this variant. This variant has not been reported in individuals affected with RYR1-related disorders in the literature. This variant has been identified in 4/278512 chromosomes in the general population by the Genome Aggregation Database (gnomAD). The available evidence is insufficient to determine the role of this variant in disease conclusively. Therefore, this variant is classified as a Variant of Uncertain Significance.

This study involves interpretation of variants in research participants for the purpose of population health screening. Participant phenotype was not available at the time of variant classification. Additional details can be found in publication PMID: 35346344, PMCID: PMC8962531

Labcorp Genetics (formerly Invitae), Labcorp
Classification: Uncertain significance for RYR1-related disorder. Last evaluated: 2021-08-26. Review status: criteria provided, single submitter. Criteria: Invitae Variant Classification Sherloc (09022015). Collection method: clinical testing. Allele origin: germline.
Comment: This sequence change replaces glutamic acid with lysine at codon 1698 of the RYR1 protein (p.Glu1698Lys). The glutamic acid residue is highly conserved and there is a small physicochemical difference between glutamic acid and lysine. This variant is present in population databases (rs763281057, ExAC 0.04%). This variant has not been reported in the literature in individuals affected with RYR1-related conditions. Algorithms developed to predict the effect of missense changes on protein structure and function are either unavailable or do not agree on the potential impact of this missense change (SIFT: "Deleterious"; PolyPhen-2: "Benign"; Align-GVGD: "Class C0"). In summary, the available evidence is currently insufficient to determine the role of this variant in disease. Therefore, it has been classified as a Variant of Uncertain Significance.

NM_000540.3(RYR1):c.5092G>A (p.Glu1698Lys)

Gene: RYR1 (ryanodine receptor 1; plus strand). Cytogenetic location: 19q13.2.
Variant type: single nucleotide variant.
Coding change: c.5092G>A on transcript NM_000540.3 (MANE Select); coding-DNA position 5092, G replaced by A.
Protein change: p.Glu1698Lys; replaces glutamic acid 1698 with lysine.
Molecular consequence: missense variant.
Genome position (GRCh38, 1-based): chr19:38,485,747, G>A. VCF-style: chr19-38485747-G-A. GRCh37 (hg19) VCF-style: chr19-38976387-G-A.
Other names: c.5092G>A, p.Glu1698Lys (NM_001042723.2); short protein forms E1698K.
Identifiers: ClinVar variation 940420 (VCV000940420.9), dbSNP rs763281057, ClinGen allele CA066664.